The following is an entry in ClinVar:

ClinVar aggregate classification (germline): Likely benign (1 of 4 stars; one submission).

gnomAD v4.1: 3 of 1,609,686 alleles (0.00019%); highest among the groups gnomAD compares: East Asian, 0.0045%; no homozygotes.

Submission:

Molecular Diagnostic Laboratory for Inherited Cardiovascular Disease, Montreal Heart Institute
Classification: Likely benign. Last evaluated: 2025-04-09. Review status: criteria provided, single submitter. Criteria: ACMG Guidelines, 2015. Collection method: clinical testing. Allele origin: germline. Affected: no.
Comment: BP1

NM_001267550.2(TTN):c.51697C>T (p.Pro17233Ser)

Genes: TTN (titin; minus strand), TTN-AS1 (TTN antisense RNA 1; plus strand). Cytogenetic location: 2q31.2.
Variant type: single nucleotide variant.
Coding change: c.51697C>T on transcript NM_001267550.2 (MANE Select); coding-DNA position 51697, C replaced by T.
Protein change: p.Pro17233Ser; replaces proline 17233 with serine.
Molecular consequence: missense variant.
Genome position (GRCh38, 1-based): chr2:178,609,726, G>A on the plus strand (C>T on the coding strand, the complement: TTN is on the minus strand). VCF-style: chr2-178609726-G-A. GRCh37 (hg19) VCF-style: chr2-179474453-G-A.
Other names: c.46774C>T, p.Pro15592Ser (NM_001256850.1); c.24502C>T, p.Pro8168Ser (NM_003319.4); c.43993C>T, p.Pro14665Ser (NM_133378.4); c.24877C>T, p.Pro8293Ser (NM_133432.3); c.25078C>T, p.Pro8360Ser (NM_133437.4); short protein forms P14665S, P15592S, P17233S, P8168S, P8293S, P8360S.
Identifiers: ClinVar variation 3895263 (VCV003895263.1), dbSNP rs761840475.